The following is an entry in ClinVar:

NM_016507.4(CDK12):c.3866C>T (p.Ala1289Val)

Gene: CDK12 (cyclin dependent kinase 12; plus strand). Cytogenetic location: 17q12.
Variant type: single nucleotide variant.
Coding change: c.3866C>T on transcript NM_016507.4 (MANE Select); coding-DNA position 3866, C replaced by T.
Protein change: p.Ala1289Val; replaces alanine 1289 with valine.
Molecular consequence: missense variant.
Genome position (GRCh38, 1-based): chr17:39,530,709, C>T. VCF-style: chr17-39530709-C-T. GRCh37 (hg19) VCF-style: chr17-37686962-C-T.
Other names: c.3839C>T, p.Ala1280Val (NM_015083.4); short protein forms A1280V, A1289V.
Identifiers: ClinVar variation 5034186 (VCV005034186.1).

ClinVar aggregate classification (germline): Uncertain significance (1 of 4 stars; one submission).

gnomAD v4.1: 1 of 1,613,762 alleles (0.000062%); highest among the groups gnomAD compares: Non-Finnish European, 0.000085%; no homozygotes.

Submission:

Ambry Genetics
Classification: Uncertain significance. Last evaluated: 2026-09-06. Review status: criteria provided, single submitter. Criteria: Ambry Variant Classification Scheme 2023. Collection method: clinical testing. Allele origin: germline.
Comment: The p.A1289V variant (also known as c.3866C>T), located in coding exon 14 of the CDK12 gene, results from a C to T substitution at nucleotide position 3866. The alanine at codon 1289 is replaced by valine, an amino acid with similar properties. This amino acid position is conserved. In addition, this alteration is predicted to be tolerated by in silico analysis. Based on the available evidence, the clinical significance of this variant remains unclear.